The following is an entry in ClinVar:

NM_001367624.2(ZNF469):c.10600G>A (p.Val3534Met)

Gene: ZNF469 (zinc finger protein 469; plus strand). Cytogenetic location: 16q24.2.
Variant type: single nucleotide variant.
Coding change: c.10600G>A on transcript NM_001367624.2 (MANE Select); coding-DNA position 10600, G replaced by A.
Protein change: p.Val3534Met; replaces valine 3534 with methionine.
Molecular consequence: missense variant.
Genome position (GRCh38, 1-based): chr16:88,438,070, G>A. VCF-style: chr16-88438070-G-A. GRCh37 (hg19) VCF-style: chr16-88504478-G-A.
Other names: NM_001127464.1:c.10516G>A; short protein forms V3534M.
Identifiers: ClinVar variation 1777169 (VCV001777169.2), dbSNP rs781179587, ClinGen allele CA8225532.

ClinVar aggregate classification (germline): Uncertain significance (1 of 4 stars; one submission).

Conditions:
Cardiovascular phenotype. Identifiers: MedGen CN230736.

Allele frequency attached by ClinVar (database versions not stated): TOPMed 0.00001; gnomAD exomes 0.00002; gnomAD 0.00003; ExAC 0.00005.
gnomAD v4.1: 29 of 1,550,266 alleles (0.0019%); highest among the groups gnomAD compares: Non-Finnish European, 0.0023%; no homozygotes.

Submission:

Ambry Genetics
Classification: Uncertain significance for Cardiovascular phenotype. Last evaluated: 2022-06-09. Review status: criteria provided, single submitter. Criteria: Ambry Variant Classification Scheme 2023. Collection method: clinical testing. Allele origin: germline.
Comment: The p.V3506M variant (also known as c.10516G>A), located in coding exon 2 of the ZNF469 gene, results from a G to A substitution at nucleotide position 10516. The valine at codon 3506 is replaced by methionine, an amino acid with highly similar properties. This amino acid position is conserved. In addition, this alteration is predicted to be tolerated by in silico analysis. Since supporting evidence is limited at this time, the clinical significance of this alteration remains unclear.